The following is an entry in ClinVar:

NC_000023.10:g.(?_32841392)_(32867957_?)dup

Gene: DMD (dystrophin; minus strand). Cytogenetic location: Xp21.1.
Variant type: Duplication.
Identifiers: ClinVar variation 3243009 (VCV003243009.1).

ClinVar aggregate classification (germline): Pathogenic (1 of 4 stars; one submission).

Conditions:
Duchenne muscular dystrophy (DMD). Also called: MUSCULAR DYSTROPHY, PSEUDOHYPERTROPHIC PROGRESSIVE, DUCHENNE TYPE; Duchenne Muscular Dystrophy (DMD). Identifiers: Orphanet 98896, MedGen C0013264, MONDO:0010679, OMIM 310200.

Submission:

Labcorp Genetics (formerly Invitae), Labcorp
Classification: Pathogenic for Duchenne muscular dystrophy. Last evaluated: 2023-12-07. Review status: criteria provided, single submitter. Criteria: Invitae Variant Classification Sherloc (09022015). Collection method: clinical testing. Allele origin: unknown.
Comment: This variant results in a copy number gain of the genomic region encompassing exon(s) 3-5 of the DMD gene. While the exact position of this variant cannot be determined from the data, sub-genic copy number gains are generally in tandem (PMID: 25640679). This variant is predicted to be in-frame, and likely preserves the integrity of the reading frame. A similar copy number variant has been observed in individuals with dystrophinopathies (PMID: 12233050, 15655674, 25482253, 25972034, 26081009). For these reasons, this variant has been classified as Pathogenic.

Literature cited by the submitters: PubMed 25640679; PubMed 12233050; PubMed 15655674; PubMed 25482253; PubMed 25972034; PubMed 26081009.